The following is an entry in ClinVar:

NM_004360.5(CDH1):c.28G>A (p.Ala10Thr)

Gene: CDH1 (cadherin 1; plus strand). Cytogenetic location: 16q22.1.
Variant type: single nucleotide variant.
Coding change: c.28G>A on transcript NM_004360.5 (MANE Select); coding-DNA position 28, G replaced by A.
Protein change: p.Ala10Thr; replaces alanine 10 with threonine.
Molecular consequence: missense variant. On other transcripts: 5 prime UTR variant (2).
Genome position (GRCh38, 1-based): chr16:68,737,443, G>A. VCF-style: chr16-68737443-G-A. GRCh37 (hg19) VCF-style: chr16-68771346-G-A.
Other names: c.28G>A (LRG_301t1); c.28G>A, p.Ala10Thr (NM_001317184.2); c.-1588G>A (NM_001317185.2); c.-1792G>A (NM_001317186.2); short protein forms A10T.
Identifiers: ClinVar variation 649532 (VCV000649532.13), dbSNP rs1053572488, ClinGen allele CA283273446.
Genomic context (GRCh38, chr16:68,737,443, plus strand): 5'-GCGCCTGCCCTCGCTCGGCGTCCCCGGCCAGCCATGGGCCCTTGGAGCCGCAGCCTCTCG[G>A]CGCTGCTGCTGCTGCTGCAGGTACCCCGGATCCCCTGACTTGCGAGGGACGCATTCGGGC-3'
Protein context (NP_004351.1, residues 1-20): MGPWSRSLS[Ala10Thr]LLLLLQVSSW

ClinVar aggregate classification (germline): Conflicting classifications of pathogenicity. Review status: criteria provided, conflicting classifications (1 of 4 stars). 3 submissions from 3 submitters: Uncertain significance (2); Likely benign (1). Last evaluated 2025-07-07.

Conditions:
Hereditary diffuse gastric adenocarcinoma (HDGC). Also called: DIFFUSE GASTRIC AND LOBULAR BREAST CANCER SYNDROME. Identifiers: Orphanet 26106, MedGen C1708349, MONDO:0007648, OMIM 137215.
Hereditary cancer-predisposing syndrome. Also called: Hereditary Cancer Syndrome; Tumor predisposition; Neoplastic Syndromes, Hereditary; Hereditary neoplastic syndrome. Identifiers: Orphanet 140162, MedGen C0027672, MeSH D009386, MONDO:0015356.
Familial cancer of breast. Also called: hereditary breast carcinoma; BREAST CANCER, FAMILIAL; Hereditary breast cancer. Identifiers: Orphanet 227535, MedGen C0346153, MONDO:0016419, OMIM 114480. Disease mechanism: loss of function.

Allele frequency attached by ClinVar (database versions not stated): gnomAD exomes below 0.00001 and 0.00001; TOPMed below 0.00001; gnomAD 0.00001.
gnomAD v4.1: 3 of 1,535,724 alleles (0.0002%); highest among the groups gnomAD compares: Non-Finnish European, 0.00026%; no homozygotes.

Submissions (3):

Labcorp Genetics (formerly Invitae), Labcorp
Classification: Uncertain significance for Hereditary diffuse gastric adenocarcinoma. Last evaluated: 2025-07-07. Review status: criteria provided, single submitter. Criteria: Invitae Variant Classification Sherloc (09022015). Collection method: clinical testing. Allele origin: germline.
Comment: This sequence change replaces alanine, which is neutral and non-polar, with threonine, which is neutral and polar, at codon 10 of the CDH1 protein (p.Ala10Thr). The frequency data for this variant in the population databases is considered unreliable, as metrics indicate poor data quality at this position in the gnomAD database. This variant has not been reported in the literature in individuals affected with CDH1-related conditions. ClinVar contains an entry for this variant (Variation ID: 649532). An algorithm developed to predict the effect of missense changes on protein structure and function (PolyPhen-2) suggests that this variant is likely to be tolerated. In summary, the available evidence is currently insufficient to determine the role of this variant in disease. Therefore, it has been classified as a Variant of Uncertain Significance.

Ambry Genetics
Classification: Likely benign for Hereditary cancer-predisposing syndrome. Last evaluated: 2025-01-13. Review status: criteria provided, single submitter. Criteria: Ambry Variant Classification Scheme 2023. Collection method: clinical testing. Allele origin: germline.

Baylor Genetics
Classification: Uncertain significance for Familial cancer of breast. Last evaluated: 2023-12-22. Review status: criteria provided, single submitter. Criteria: ACMG Guidelines, 2015. Collection method: clinical testing. Allele origin: unknown.